The following is an entry in ClinVar:

NM_001035.3(RYR2):c.7221+5G>A

Gene: RYR2 (ryanodine receptor 2; plus strand). Cytogenetic location: 1q43.
Variant type: single nucleotide variant.
Coding change: c.7221+5G>A on transcript NM_001035.3 (MANE Select); 5 bases into the intron after coding-DNA position 7221, G replaced by A.
Molecular consequence: intron variant.
Genome position (GRCh38, 1-based): chr1:237,641,007, G>A. VCF-style: chr1-237641007-G-A. GRCh37 (hg19) VCF-style: chr1-237804307-G-A.
Identifiers: ClinVar variation 2129186 (VCV002129186.4), dbSNP rs1060500153, ClinGen allele CA2580062402.

ClinVar aggregate classification (germline): Uncertain significance (1 of 4 stars; one submission).

Conditions:
Catecholaminergic polymorphic ventricular tachycardia 1. Also called: VENTRICULAR TACHYCARDIA, CATECHOLAMINERGIC POLYMORPHIC, 1, WITH OR WITHOUT ATRIAL DYSFUNCTION AND/OR DILATED CARDIOMYOPATHY; VENTRICULAR TACHYCARDIA, STRESS-INDUCED POLYMORPHIC 1; RYR2-Related Catecholaminergic Polymorphic Ventricular Tachycardia. Identifiers: Orphanet 3286, MedGen C1631597, MONDO:0011484, OMIM 604772.

Submission:

Labcorp Genetics (formerly Invitae), Labcorp
Classification: Uncertain significance for Catecholaminergic polymorphic ventricular tachycardia 1. Last evaluated: 2025-05-05. Review status: criteria provided, single submitter. Criteria: Invitae Variant Classification Sherloc (09022015). Collection method: clinical testing. Allele origin: germline.
Comment: This sequence change falls in intron 47 of the RYR2 gene. It does not directly change the encoded amino acid sequence of the RYR2 protein. It affects a nucleotide within the consensus splice site. This variant is not present in population databases (gnomAD no frequency). This variant has not been reported in the literature in individuals affected with RYR2-related conditions. ClinVar contains an entry for this variant (Variation ID: 2129186). Variants that disrupt the consensus splice site are a relatively common cause of aberrant splicing (PMID: 17576681, 9536098). Algorithms developed to predict the effect of sequence changes on RNA splicing suggest that this variant may disrupt the consensus splice site. In summary, the available evidence is currently insufficient to determine the role of this variant in disease. Therefore, it has been classified as a Variant of Uncertain Significance.

Literature cited by the submitters: PubMed 17576681; PubMed 9536098.